The following is an entry in ClinVar:

ClinVar aggregate classification (germline): Uncertain significance (1 of 4 stars; one submission).

Submission:

GeneDx
Classification: Uncertain significance. Last evaluated: 2024-06-18. Review status: criteria provided, single submitter. Criteria: GeneDx Variant Classification Process June 2021. Collection method: clinical testing. Allele origin: germline. Affected: yes.
Comment: In silico analysis indicates that this missense variant does not alter protein structure/function; Has not been previously published as pathogenic or benign to our knowledge

NM_054027.6(ANKH):c.1085C>A (p.Ala362Asp)

Gene: ANKH (ANKH inorganic pyrophosphate transport regulator; minus strand). Cytogenetic location: 5p15.2.
Variant type: single nucleotide variant.
Coding change: c.1085C>A on transcript NM_054027.6 (MANE Select); coding-DNA position 1085, C replaced by A.
Protein change: p.Ala362Asp; replaces alanine 362 with aspartic acid.
Molecular consequence: missense variant.
Genome position (GRCh38, 1-based): chr5:14,716,762, G>T on the plus strand (C>A on the coding strand, the complement: ANKH is on the minus strand). VCF-style: chr5-14716762-G-T. GRCh37 (hg19) VCF-style: chr5-14716871-G-T.
Other names: short protein forms A362D.
Identifiers: ClinVar variation 3391678 (VCV003391678.1).